The following is an entry in ClinVar:

ClinVar aggregate classification (germline): Uncertain significance (1 of 4 stars; one submission).

Conditions:
Malignant hyperthermia, susceptibility to, 1 (MHS1). Also called: Anesthesia related hyperthermia; Malignant hyperpyrexia; Fulminating hyperpyrexia; Pharmacogenic myopathy; RYR1-Related Malignant Hyperthermia Susceptibility; Malignant hyperthermia suceptibility 1. Identifiers: Orphanet 423, MedGen C2930980, MONDO:0007783, OMIM 145600.

Submission:

All of Us Research Program, National Institutes of Health
Classification: Uncertain significance for Malignant hyperthermia, susceptibility to, 1. Last evaluated: 2023-06-26. Review status: criteria provided, single submitter. Criteria: ACMG Guidelines, 2015. Collection method: clinical testing. Allele origin: germline. Inheritance: Autosomal dominant inheritance. Observed: 1 variant allele, 1 heterozygote.
Comment: This variant is located in the RYR1 protein. To our knowledge, functional studies have not been reported for this variant. This variant has not been reported in individuals affected with RYR1-related disorders in the literature. This variant has not been identified in the general population by the Genome Aggregation Database (gnomAD). The available evidence is insufficient to determine the role of this variant in disease conclusively. Therefore, this variant is classified as a Variant of Uncertain Significance.

This study involves interpretation of variants in research participants for the purpose of population health screening. Participant phenotype was not available at the time of variant classification. Additional details can be found in publication PMID: 35346344, PMCID: PMC8962531

NM_000540.3(RYR1):c.13833C>G (p.Gly4611=)

Gene: RYR1 (ryanodine receptor 1; plus strand). Cytogenetic location: 19q13.2.
Variant type: single nucleotide variant.
Coding change: c.13833C>G on transcript NM_000540.3 (MANE Select); coding-DNA position 13833, C replaced by G.
Protein change: p.Gly4611=; no amino-acid change (glycine 4611 retained).
Molecular consequence: synonymous variant.
Genome position (GRCh38, 1-based): chr19:38,572,105, C>G. VCF-style: chr19-38572105-C-G. GRCh37 (hg19) VCF-style: chr19-39062745-C-G.
Other names: c.13818C>G, p.Gly4606= (NM_001042723.2).
Identifiers: ClinVar variation 3071803 (VCV003071803.1), dbSNP rs2514712515, ClinGen allele CA507356000.